The following is an entry in ClinVar:

ClinVar aggregate classification (germline): Uncertain significance (1 of 4 stars; one submission).

Conditions:
Early-onset Lafora body disease. Also called: Epilepsy, progressive myoclonic, 10. Identifiers: Orphanet 324290, MedGen C4225258, MONDO:0014717, OMIM 616640.

Allele frequency attached by ClinVar (database versions not stated): gnomAD 0.00001; TOPMed 0.00002; gnomAD exomes 0.00006.
gnomAD v4.1: 65 of 1,245,118 alleles (0.0052%); highest among the groups gnomAD compares: Non-Finnish European, 0.0062%; no homozygotes.

Submission:

Labcorp Genetics (formerly Invitae), Labcorp
Classification: Uncertain significance for Early-onset Lafora body disease. Last evaluated: 2022-10-14. Review status: criteria provided, single submitter. Criteria: Invitae Variant Classification Sherloc (09022015). Collection method: clinical testing. Allele origin: germline.
Comment: This sequence change replaces glycine, which is neutral and non-polar, with aspartic acid, which is acidic and polar, at codon 467 of the PRDM8 protein (p.Gly467Asp). This variant is present in population databases (no rsID available, gnomAD 0.01%). This variant has not been reported in the literature in individuals affected with PRDM8-related conditions. ClinVar contains an entry for this variant (Variation ID: 1427079). Advanced modeling of protein sequence and biophysical properties (such as structural, functional, and spatial information, amino acid conservation, physicochemical variation, residue mobility, and thermodynamic stability) performed at Invitae indicates that this missense variant is not expected to disrupt PRDM8 protein function. In summary, the available evidence is currently insufficient to determine the role of this variant in disease. Therefore, it has been classified as a Variant of Uncertain Significance.

NM_001099403.2(PRDM8):c.1400G>A (p.Gly467Asp)

Gene: PRDM8 (PR/SET domain 8; plus strand). Cytogenetic location: 4q21.21.
Variant type: single nucleotide variant.
Coding change: c.1400G>A on transcript NM_001099403.2 (MANE Select); coding-DNA position 1400, G replaced by A.
Protein change: p.Gly467Asp; replaces glycine 467 with aspartic acid.
Molecular consequence: missense variant.
Genome position (GRCh38, 1-based): chr4:80,202,862, G>A. VCF-style: chr4-80202862-G-A. GRCh37 (hg19) VCF-style: chr4-81124016-G-A.
Other names: c.1400G>A, p.Gly467Asp (NM_020226.4); short protein forms G467D.
Identifiers: ClinVar variation 1427079 (VCV001427079.5), dbSNP rs1185771802, ClinGen allele CA357400599.